The following is an entry in ClinVar:

ClinVar aggregate classification (germline): Uncertain significance. Review status: criteria provided, multiple submitters, no conflicts (2 of 4 stars). 2 submissions from 2 submitters: Uncertain significance (2). Last evaluated 2025-12-19.

Allele frequency attached by ClinVar (database versions not stated): ExAC 0.00001; gnomAD exomes 0.00001 and 0.00004; gnomAD 0.00005 and 0.00006; TOPMed 0.00005.
gnomAD v4.1: 25 of 1,610,952 alleles (0.0016%); highest among the groups gnomAD compares: Admixed American, 0.02%; no homozygotes.

Submissions (2):

Women's Health and Genetics/Laboratory Corporation of America, LabCorp
Classification: Uncertain significance. Last evaluated: 2025-12-19. Review status: criteria provided, single submitter. Criteria: LabCorp Variant Classification Summary - May 2015. Collection method: clinical testing. Allele origin: germline.
Comment: Variant summary: SKIC2 c.918+6T>G alters a non-conserved nucleotide located close to a canonical splice site and therefore could affect mRNA splicing, leading to a significantly altered protein sequence. Consensus agreement among computation tools predict no significant impact on normal splicing. However, these predictions have yet to be confirmed by functional studies. The variant allele was found at a frequency of 3.6e-05 in 276228 control chromosomes. This frequency is not significantly higher than estimated for disease-causing variants in SKIC2, allowing no conclusion about variant significance. To our knowledge, no occurrence of c.918+6T>G in individuals affected with SKIC2-related conditions and no experimental evidence demonstrating its impact on protein function have been reported. ClinVar contains an entry for this variant (Variation ID: 1404211). Based on the evidence outlined above, the variant was classified as uncertain significance.

Labcorp Genetics (formerly Invitae), Labcorp
Classification: Uncertain significance. Last evaluated: 2024-12-12. Review status: criteria provided, single submitter. Criteria: Invitae Variant Classification Sherloc (09022015). Collection method: clinical testing. Allele origin: germline.
Comment: This sequence change falls in intron 9 of the SKIV2L gene. It does not directly change the encoded amino acid sequence of the SKIV2L protein. It affects a nucleotide within the consensus splice site. This variant is present in population databases (rs750927159, gnomAD 0.02%). This variant has not been reported in the literature in individuals affected with SKIV2L-related conditions. ClinVar contains an entry for this variant (Variation ID: 1404211). Variants that disrupt the consensus splice site are a relatively common cause of aberrant splicing (PMID: 17576681, 9536098). Algorithms developed to predict the effect of sequence changes on RNA splicing suggest that this variant is not likely to affect RNA splicing. In summary, the available evidence is currently insufficient to determine the role of this variant in disease. Therefore, it has been classified as a Variant of Uncertain Significance.

Literature cited by the submitters: PubMed 17576681 (cited by Labcorp Genetics (formerly Invitae), Labcorp); PubMed 9536098 (cited by Labcorp Genetics (formerly Invitae), Labcorp).

NM_006929.5(SKIC2):c.918+6T>G

Gene: SKIC2 (SKI2 subunit of superkiller complex; plus strand). Cytogenetic location: 6p21.33.
Variant type: single nucleotide variant.
Coding change: c.918+6T>G on transcript NM_006929.5 (MANE Select); 6 bases into the intron after coding-DNA position 918, T replaced by G.
Molecular consequence: intron variant.
Genome position (GRCh38, 1-based): chr6:31,961,681, T>G. VCF-style: chr6-31961681-T-G. GRCh37 (hg19) VCF-style: chr6-31929458-T-G.
Identifiers: ClinVar variation 1404211 (VCV001404211.5), dbSNP rs750927159, ClinGen allele CA3729287.